The following is an entry in ClinVar:

ClinVar aggregate classification (germline): Uncertain significance (1 of 4 stars; one submission).

Allele frequency attached by ClinVar (database versions not stated): TOPMed below 0.00001; gnomAD 0.00001.
gnomAD v4.1: 1 of 1,613,980 alleles (0.000062%); highest among the groups gnomAD compares: Non-Finnish European, 0.000085%; no homozygotes.

Submission:

Labcorp Genetics (formerly Invitae), Labcorp
Classification: Uncertain significance. Last evaluated: 2021-12-19. Review status: criteria provided, single submitter. Criteria: Invitae Variant Classification Sherloc (09022015). Collection method: clinical testing. Allele origin: germline.
Comment: This sequence change replaces proline, which is neutral and non-polar, with leucine, which is neutral and non-polar, at codon 606 of the CTNNB1 protein (p.Pro606Leu). This variant is not present in population databases (gnomAD no frequency). This variant has not been reported in the literature in individuals affected with CTNNB1-related conditions. Algorithms developed to predict the effect of missense changes on protein structure and function (SIFT, PolyPhen-2, Align-GVGD) all suggest that this variant is likely to be tolerated. In summary, the available evidence is currently insufficient to determine the role of this variant in disease. Therefore, it has been classified as a Variant of Uncertain Significance.

NM_001904.4(CTNNB1):c.1817C>T (p.Pro606Leu)

Gene: CTNNB1 (catenin beta 1; plus strand). Cytogenetic location: 3p22.1.
Variant type: single nucleotide variant.
Coding change: c.1817C>T on transcript NM_001904.4 (MANE Select); coding-DNA position 1817, C replaced by T.
Protein change: p.Pro606Leu; replaces proline 606 with leucine.
Molecular consequence: missense variant.
Genome position (GRCh38, 1-based): chr3:41,236,362, C>T. VCF-style: chr3-41236362-C-T. GRCh37 (hg19) VCF-style: chr3-41277853-C-T.
Other names: c.1817C>T, p.Pro606Leu (NM_001098209.2, NM_001098210.2); c.1796C>T, p.Pro599Leu (NM_001330729.2); short protein forms P599L, P606L.
Identifiers: ClinVar variation 1460599 (VCV001460599.6), dbSNP rs1306221365, ClinGen allele CA352236006.